The following is an entry in ClinVar:

ClinVar aggregate classification (germline): Uncertain significance (1 of 4 stars; one submission).

Submission:

Broad Center for Mendelian Genomics, Broad Institute of MIT and Harvard
Classification: Uncertain significance. Last evaluated: 2019-02-07. Review status: criteria provided, single submitter. Criteria: ACMG Guidelines, 2015. Collection method: research. Allele origin: unknown. Inheritance: Autosomal dominant inheritance. Affected: yes. Clinical features observed: Developmental delay, Autism spectrum disorder.
Comment: The heterozygous p.Arg151* variant in KMT2E was identified by our study in three siblings with developmental delay and autism. The p.Arg151* variant in KMT2E has not been previously reported in individuals with developmental delay or autism and was absent from large population studies. This nonsense variant leads to a premature termination codon at position 151 which is predicted to lead to a truncated or absent protein. This alteration is then predicted to lead to a truncated or absent protein. It is of note, that loss of function of the KMT2E gene in autosomal dominant disease has not yet been established based on the criteria laid out in Tayoun, 2018 (PMID: 30192042). In summary, while there is some suspicion for a pathogenic role, the clinical significance of this variant is uncertain.

NM_182931.3(KMT2E):c.450del (p.Asp150fs)

Gene: KMT2E (lysine methyltransferase 2E (inactive); plus strand). Cytogenetic location: 7q22.3.
Variant type: Deletion.
Coding change: c.450del on transcript NM_182931.3 (MANE Select); coding-DNA position 450, one base deleted (T; older notation c.450delT).
Protein change: p.Asp150fs; shifts the reading frame from aspartic acid 150.
Molecular consequence: frameshift variant.
Genome position (GRCh38, 1-based): chr7:105,066,760, T deleted. VCF-style (leftmost placement, unchanged base first): chr7-105066759-AT-A. GRCh37 (hg19) VCF-style: chr7-104707206-AT-A.
Other names: c.450del, p.Asp150fs (NM_018682.4); short protein forms D150fs.
Identifiers: ClinVar variation 805898 (VCV000805898.2), dbSNP rs1584751179, ClinGen allele CA915945403.